The following is an entry in ClinVar:

NM_001042492.3(NF1):c.28dup (p.Val10fs)

Genes: MIR4733HG (MIR4733 host gene; minus strand), NF1 (neurofibromin 1; plus strand), LOC111811965 (NF1 (neurofibromin 1) promoter region; plus strand). Cytogenetic location: 17q11.2.
Variant type: Duplication.
Coding change: c.28dup on transcript NM_001042492.3 (MANE Select); coding-DNA position 28, one base duplicated (G; older notation c.28dupG).
Protein change: p.Val10fs; shifts the reading frame from valine 10.
Molecular consequence: frameshift variant. On other transcripts: non-coding transcript variant (1).
Genome position (GRCh38, 1-based): chr17:31,095,337, G duplicated; the last of 3 consecutive G bases (chr17:31,095,335-31,095,337); duplicating any one gives the same sequence. VCF-style (leftmost placement, unchanged base first): chr17-31095334-T-TG. GRCh37 (hg19) VCF-style: chr17-29422352-T-TG.
Other names: c.28dup, p.Val10Glyfs (NM_000267.4); c.28dup, p.Val10fs (NM_001128147.3); c.28dupG (NM_000267.3); short protein forms V10fs.
Identifiers: ClinVar variation 3404660 (VCV003404660.2).

ClinVar aggregate classification (germline): Pathogenic. Review status: criteria provided, multiple submitters, no conflicts (2 of 4 stars). 2 submissions from 2 submitters: Pathogenic (2). Last evaluated 2025-02-19.

Conditions:
Neurofibromatosis, type 1 (NF1). Also called: NEUROFIBROMATOSIS, TYPE I, SOMATIC; Neurofibromatosis, type I; Peripheral type neurofibromatosis; VON RECKLINGHAUSEN DISEASE. Identifiers: Orphanet 636, MedGen C0027831, MONDO:0018975, OMIM 162200. Disease mechanism: loss of function.
Hereditary cancer-predisposing syndrome. Also called: Hereditary Cancer Syndrome; Hereditary neoplastic syndrome; Neoplastic Syndromes, Hereditary; Tumor predisposition. Identifiers: Orphanet 140162, MedGen C0027672, MeSH D009386, MONDO:0015356.
Cardiovascular phenotype. Identifiers: MedGen CN230736.

Submissions (2):

Labcorp Genetics (formerly Invitae), Labcorp
Classification: Pathogenic for Neurofibromatosis, type 1. Last evaluated: 2025-02-19. Review status: criteria provided, single submitter. Criteria: Invitae Variant Classification Sherloc (09022015). Collection method: clinical testing. Allele origin: germline.
Comment: This sequence change creates a premature translational stop signal (p.Val10Glyfs*28) in the NF1 gene. It is expected to result in an absent or disrupted protein product. Loss-of-function variants in NF1 are known to be pathogenic (PMID: 10712197, 23913538). This variant is not present in population databases (gnomAD no frequency). This premature translational stop signal has been observed in individual(s) with neurofibromatosis type I and breast cancer (PMID: 30530636). ClinVar contains an entry for this variant (Variation ID: 3404660). For these reasons, this variant has been classified as Pathogenic.

Ambry Genetics
Classification: Pathogenic for Cardiovascular phenotype; Hereditary cancer-predisposing syndrome. Last evaluated: 2024-07-25. Review status: criteria provided, single submitter. Criteria: Ambry Variant Classification Scheme 2023. Collection method: clinical testing. Allele origin: germline.
Comment: The c.28dupG pathogenic mutation, located in coding exon 1 of the NF1 gene, results from a duplication of G at nucleotide position 28, causing a translational frameshift with a predicted alternate stop codon (p.V10Gfs*28). This variant is considered to be rare based on population cohorts in the Genome Aggregation Database (gnomAD). This alteration is expected to result in loss of function by premature protein truncation or nonsense-mediated mRNA decay. As such, this alteration is interpreted as a disease-causing mutation.

Literature cited by the submitters: PubMed 10712197 (cited by Labcorp Genetics (formerly Invitae), Labcorp); PubMed 23913538 (cited by Labcorp Genetics (formerly Invitae), Labcorp); PubMed 30530636 (cited by Labcorp Genetics (formerly Invitae), Labcorp).